The following is an entry in ClinVar:

ClinVar aggregate classification (germline): Uncertain significance (1 of 4 stars; one submission).

Conditions:
Hereditary cancer-predisposing syndrome. Also called: Tumor predisposition; Hereditary neoplastic syndrome; Hereditary Cancer Syndrome; Neoplastic Syndromes, Hereditary. Identifiers: Orphanet 140162, MedGen C0027672, MeSH D009386, MONDO:0015356.

gnomAD v4.1: 1 of 1,614,140 alleles (0.000062%); highest among the groups gnomAD compares: Non-Finnish European, 0.000085%; no homozygotes.

Submission:

Ambry Genetics
Classification: Uncertain significance for Hereditary cancer-predisposing syndrome. Last evaluated: 2025-04-18. Review status: criteria provided, single submitter. Criteria: Ambry Variant Classification Scheme 2023. Collection method: clinical testing. Allele origin: germline.
Comment: The p.S46C variant (also known as c.137C>G), located in coding exon 2 of the PDGFRA gene, results from a C to G substitution at nucleotide position 137. The serine at codon 46 is replaced by cysteine, an amino acid with dissimilar properties. This amino acid position is conserved. In addition, this alteration is predicted to be tolerated by in silico analysis. Based on the available evidence, the clinical significance of this variant remains unclear.

NM_006206.6(PDGFRA):c.137C>G (p.Ser46Cys)

Gene: PDGFRA (platelet derived growth factor receptor alpha; plus strand). Cytogenetic location: 4q12.
Variant type: single nucleotide variant.
Coding change: c.137C>G on transcript NM_006206.6 (MANE Select); coding-DNA position 137, C replaced by G.
Protein change: p.Ser46Cys; replaces serine 46 with cysteine.
Molecular consequence: missense variant.
Genome position (GRCh38, 1-based): chr4:54,261,182, C>G. VCF-style: chr4-54261182-C-G. GRCh37 (hg19) VCF-style: chr4-55127349-C-G.
Other names: c.137C>G, p.Ser46Cys (NM_001347827.2, NM_001347829.2); c.212C>G, p.Ser71Cys (NM_001347828.2); c.176C>G, p.Ser59Cys (NM_001347830.2); short protein forms S46C, S59C, S71C.
Identifiers: ClinVar variation 3930205 (VCV003930205.1).